The following is an entry in ClinVar:

NC_000011.10:g.(?_791895)_(795026_?)del

Gene: SLC25A22 (solute carrier family 25 member 22; minus strand). Cytogenetic location: 11p15.5.
Variant type: Deletion.
Identifiers: ClinVar variation 833412 (VCV000833412.7).

ClinVar aggregate classification (germline): Pathogenic (1 of 4 stars; one submission).

Conditions:
Developmental and epileptic encephalopathy. Identifiers: MedGen C5779964, MONDO:0100620.

Submission:

Labcorp Genetics (formerly Invitae), Labcorp
Classification: Pathogenic for Early-infantile DEE. Last evaluated: 2022-03-19. Review status: criteria provided, single submitter. Criteria: Invitae Variant Classification Sherloc (09022015). Collection method: clinical testing. Allele origin: germline.
Comment: For these reasons, this variant has been classified as Pathogenic. This variant has not been reported in the literature in individuals affected with SLC25A22-related conditions. A gross deletion of the genomic region encompassing the full coding sequence of the SLC25A22 gene has been identified. Loss-of-function variants in SLC25A22 are known to be pathogenic (PMID: 15592994, 19780765). The boundaries of this event are unknown as they extend beyond the assayed region for this gene and therefore may encompass additional genes.

Literature cited by the submitters: PubMed 15592994; PubMed 19780765.